The following is an entry in ClinVar:

ClinVar aggregate classification (germline): Uncertain significance. Review status: criteria provided, single submitter (1 of 4 stars). 2 submissions from 2 submitters: Uncertain significance (1). 1 of the submissions does not count toward it. Last evaluated 2025-12-16.

Conditions:
GAS2L2-related disorder. Also called: GAS2L2-related condition.

Allele frequency attached by ClinVar (database versions not stated): 1000 Genomes Project 0.00080; 1000 Genomes Project 30x 0.00094; ESP Exome Variant Server 0.00115.
gnomAD v4.1: 385 of 1,613,564 alleles (0.024%); highest among the groups gnomAD compares: African/African-American, 0.45%; 1 homozygote.

Submissions (2):

Ambry Genetics
Classification: Uncertain significance. Last evaluated: 2025-12-16. Review status: criteria provided, single submitter. Criteria: Ambry Variant Classification Scheme 2023. Collection method: clinical testing. Allele origin: germline.

PreventionGenetics, part of Exact Sciences
Classification: Likely benign for GAS2L2-related condition. Last evaluated: 2022-07-28. Review status: no assertion criteria provided. Collection method: clinical testing. Allele origin: germline. Not counted in ClinVar's aggregate classification.
Comment: This variant is classified as likely benign based on ACMG/AMP sequence variant interpretation guidelines (Richards et al. 2015 PMID: 25741868, with internal and published modifications).

NM_139285.4(GAS2L2):c.653C>T (p.Thr218Met)

Gene: GAS2L2 (growth arrest specific 2 like 2; minus strand). Cytogenetic location: 17q12.
Variant type: single nucleotide variant.
Coding change: c.653C>T on transcript NM_139285.4 (MANE Select); coding-DNA position 653, C replaced by T.
Protein change: p.Thr218Met; replaces threonine 218 with methionine.
Molecular consequence: missense variant.
Genome position (GRCh38, 1-based): chr17:35,749,192, G>A on the plus strand (C>T on the coding strand, the complement: GAS2L2 is on the minus strand). VCF-style: chr17-35749192-G-A. GRCh37 (hg19) VCF-style: chr17-34076211-G-A.
Other names: short protein forms T218M.
Identifiers: ClinVar variation 3040023 (VCV003040023.3), dbSNP rs140506424, ClinGen allele CA8506347.